The following is an entry in ClinVar:

NM_024334.3(TMEM43):c.370T>G (p.Trp124Gly)

Gene: TMEM43 (transmembrane protein 43; plus strand). Cytogenetic location: 3p25.1.
Variant type: single nucleotide variant.
Coding change: c.370T>G on transcript NM_024334.3 (MANE Select); coding-DNA position 370, T replaced by G.
Protein change: p.Trp124Gly; replaces tryptophan 124 with glycine.
Molecular consequence: missense variant.
Genome position (GRCh38, 1-based): chr3:14,131,652, T>G. VCF-style: chr3-14131652-T-G. GRCh37 (hg19) VCF-style: chr3-14173152-T-G.
Other names: c.370T>G, p.Trp124Gly (NM_001407277.1, NM_001407279.1, NM_001407274.1 and 2 more transcripts); c.355T>G, p.Trp119Gly (NM_001407278.1); c.220T>G, p.Trp74Gly (NM_001407280.1); short protein forms W119G, W74G, W124G.
Identifiers: ClinVar variation 2451814 (VCV002451814.2), dbSNP rs1695097671, ClinGen allele CA351534909.

ClinVar aggregate classification (germline): Uncertain significance (1 of 4 stars; one submission).

Conditions:
Cardiovascular phenotype. Identifiers: MedGen CN230736.

Submission:

Ambry Genetics
Classification: Uncertain significance for Cardiovascular phenotype. Last evaluated: 2022-12-06. Review status: criteria provided, single submitter. Criteria: Ambry Variant Classification Scheme 2023. Collection method: clinical testing. Allele origin: germline.
Comment: The p.W124G variant (also known as c.370T>G), located in coding exon 4 of the TMEM43 gene, results from a T to G substitution at nucleotide position 370. The tryptophan at codon 124 is replaced by glycine, an amino acid with highly dissimilar properties. This amino acid position is conserved. In addition, this alteration is predicted to be deleterious by in silico analysis. Since supporting evidence is limited at this time, the clinical significance of this alteration remains unclear.